The following is an entry in ClinVar:

ClinVar aggregate classification (germline): Benign (1 of 4 stars; one submission).

Submission:

Laboratory for Molecular Medicine, Mass General Brigham Personalized Medicine
Classification: Benign. Last evaluated: 2016-03-29. Review status: criteria provided, single submitter. Criteria: LMM Criteria. Collection method: clinical testing. Allele origin: germline.
Comment: Variant identified in a genome or exome case(s) and assessed due to predicted null impact of the variant or pathogenic assertions in the literature or databases. Disclaimer: This variant has not undergone full assessment. The following are preliminary notes: Frequency in ESP (EUR):437/8254= 5.2%

NM_001377321.1(ABCA10):c.4515_4516del (p.Gln1506fs)

Gene: ABCA10 (ATP binding cassette subfamily A member 10; minus strand). Cytogenetic location: 17q24.3.
Variant type: Microsatellite.
Coding change: c.4515_4516del on transcript NM_001377321.1 (MANE Select); coding-DNA positions 4515 to 4516, 2 bases deleted (TC; older notation c.4515_4516delTC).
Protein change: p.Gln1506fs; shifts the reading frame from glutamine 1506.
Molecular consequence: frameshift variant.
Genome position (GRCh38, 1-based): chr17:69,149,050-69,149,051, GA deleted on the plus strand (TC on the coding strand, the reverse complement: ABCA10 is on the minus strand); deleting any 2 consecutive bases within chr17:69,149,050-69,149,056 gives the same sequence; the c. name uses the placement nearest the transcript's 3' end. VCF-style (leftmost placement, unchanged base first): chr17-69149049-TGA-T. GRCh37 (hg19) VCF-style: chr17-67145190-TGA-T.
Other names: c.4515_4516delTC (NM_080282.3); c.4515_4516del, p.Gln1506fs (NM_080282.4); short protein forms Q1506fs.
Identifiers: ClinVar variation 402329 (VCV000402329.4), dbSNP rs3842375, ClinGen allele CA8734977.